The following is an entry in ClinVar:

NM_000094.4(COL7A1):c.6204A>C (p.Glu2068Asp)

Gene: COL7A1 (collagen type VII alpha 1 chain; minus strand). Cytogenetic location: 3p21.31.
Variant type: single nucleotide variant.
Coding change: c.6204A>C on transcript NM_000094.4 (MANE Select); coding-DNA position 6204, A replaced by C.
Protein change: p.Glu2068Asp; replaces glutamic acid 2068 with aspartic acid.
Molecular consequence: missense variant.
Genome position (GRCh38, 1-based): chr3:48,575,219, T>G on the plus strand (A>C on the coding strand, the complement: COL7A1 is on the minus strand). VCF-style: chr3-48575219-T-G. GRCh37 (hg19) VCF-style: chr3-48612652-T-G.
Other names: short protein forms E2068D.
Identifiers: ClinVar variation 4801658 (VCV004801658.1).
Genomic context (GRCh38, chr3:48,575,219, plus strand): 5'-CAGCACAGCCTCCAGACAGCCTGCCCCACGAAGCCCATCGCAGCCCACCTGTTCTCCACG[T>G]TCTCCTTTCTCTCCCCGTTCTCCCTGAAATGCAAATAGCGGGTGAGGGCCAAGCCCATGG-3'
Protein context (NP_000085.1, residues 2058-2078): GERGERGEKG[Glu2068Asp]RGEQGRDGPP

ClinVar aggregate classification (germline): Uncertain significance (1 of 4 stars; one submission).

Submission:

Labcorp Genetics (formerly Invitae), Labcorp
Classification: Uncertain significance. Last evaluated: 2025-08-11. Review status: criteria provided, single submitter. Criteria: Invitae Variant Classification Sherloc (09022015). Collection method: clinical testing. Allele origin: germline.
Comment: This sequence change replaces glutamic acid, which is acidic and polar, with aspartic acid, which is acidic and polar, at codon 2068 of the COL7A1 protein (p.Glu2068Asp). This variant is not present in population databases (gnomAD no frequency). This variant has not been reported in the literature in individuals affected with COL7A1-related conditions. Invitae Evidence Modeling of protein sequence and biophysical properties (such as structural, functional, and spatial information, amino acid conservation, physicochemical variation, residue mobility, and thermodynamic stability) indicates that this missense variant is not expected to disrupt COL7A1 protein function with a negative predictive value of 95%. In summary, the available evidence is currently insufficient to determine the role of this variant in disease. Therefore, it has been classified as a Variant of Uncertain Significance.